The following is an entry in ClinVar:

ClinVar aggregate classification (germline): Pathogenic (1 of 4 stars; one submission).

Submission:

Labcorp Genetics (formerly Invitae), Labcorp
Classification: Pathogenic. Last evaluated: 2024-12-12. Review status: criteria provided, single submitter. Criteria: Invitae Variant Classification Sherloc (09022015). Collection method: clinical testing. Allele origin: germline.
Comment: This sequence change creates a premature translational stop signal (p.Asp137Thrfs*21) in the SERPINB7 gene. It is expected to result in an absent or disrupted protein product. Loss-of-function variants in SERPINB7 are known to be pathogenic (PMID: 27569382, 28439958, 30256384). This variant is not present in population databases (gnomAD no frequency). This variant has not been reported in the literature in individuals affected with SERPINB7-related conditions. For these reasons, this variant has been classified as Pathogenic.

Literature cited by the submitters: PubMed 27569382; PubMed 28439958; PubMed 30256384.

NM_003784.4(SERPINB7):c.408del (p.Asp137fs)

Gene: SERPINB7 (serpin family B member 7; plus strand). Cytogenetic location: 18q21.33.
Variant type: Deletion.
Coding change: c.408del on transcript NM_003784.4 (MANE Select); coding-DNA position 408, one base deleted (A; older notation c.408delA).
Protein change: p.Asp137fs; shifts the reading frame from aspartic acid 137.
Molecular consequence: frameshift variant.
Genome position (GRCh38, 1-based): chr18:63,796,337, A deleted; the last of 2 consecutive A bases (chr18:63,796,336-63,796,337); deleting either gives the same sequence. VCF-style (leftmost placement, unchanged base first): chr18-63796335-GA-G. GRCh37 (hg19) VCF-style: chr18-61463569-GA-G.
Other names: c.408del, p.Asp137fs (NM_001040147.3, NM_001261830.2); c.357del, p.Asp120fs (NM_001261831.2); short protein forms D120fs, D137fs.
Identifiers: ClinVar variation 3675005 (VCV003675005.2).